The following is an entry in ClinVar:

NM_001283009.2(RTEL1):c.1832C>T (p.Ala611Val)

Genes: RTEL1 (regulator of telomere elongation helicase 1; plus strand), RTEL1-TNFRSF6B (RTEL1-TNFRSF6B readthrough (NMD candidate); plus strand). Cytogenetic location: 20q13.33.
Variant type: single nucleotide variant.
Coding change: c.1832C>T on transcript NM_001283009.2 (MANE Select); coding-DNA position 1832, C replaced by T.
Protein change: p.Ala611Val; replaces alanine 611 with valine.
Molecular consequence: missense variant. On other transcripts: non-coding transcript variant (1).
Genome position (GRCh38, 1-based): chr20:63,689,086, C>T. VCF-style: chr20-63689086-C-T. GRCh37 (hg19) VCF-style: chr20-62320439-C-T.
Other names: c.1163C>T, p.Ala388Val (NM_001283010.1); c.1832C>T, p.Ala611Val (NM_016434.4); c.1904C>T, p.Ala635Val (NM_032957.5); c.1904C>T (NM_032957.4); short protein forms A611V, A635V, A388V.
Identifiers: ClinVar variation 3948367 (VCV003948367.2).

ClinVar aggregate classification (germline): Uncertain significance. Review status: criteria provided, single submitter (1 of 4 stars). 2 submissions from 2 submitters: Uncertain significance (1). 1 of the submissions does not count toward it. Last evaluated 2025-05-05.

Conditions:
Dyskeratosis congenita. Identifiers: Orphanet 1775, MedGen C0265965, MONDO:0015780.
Inborn genetic diseases. Identifiers: MedGen C0950123, MeSH D030342.

gnomAD v4.1: 3 of 1,610,838 alleles (0.00019%); highest among the groups gnomAD compares: Middle Eastern, 0.017%; no homozygotes.

Submissions (2):

Ambry Genetics
Classification: Uncertain significance for Inborn genetic diseases. Last evaluated: 2025-05-05. Review status: criteria provided, single submitter. Criteria: Ambry Variant Classification Scheme 2023. Collection method: clinical testing. Allele origin: germline.
Comment: The p.A611V variant (also known as c.1832C>T), located in coding exon 21 of the RTEL1 gene, results from a C to T substitution at nucleotide position 1832. The alanine at codon 611 is replaced by valine, an amino acid with similar properties. This amino acid position is conserved. In addition, this alteration is predicted to be tolerated by in silico analysis. Based on the available evidence, the clinical significance of this variant remains unclear.

Natera, Inc.
Classification: Uncertain significance for Dyskeratosis congenita. Last evaluated: 2025-03-31. Review status: no assertion criteria provided. Collection method: clinical testing. Allele origin: germline. Not counted in ClinVar's aggregate classification.